The following is an entry in ClinVar:

NM_017635.5(KMT5B):c.2383C>A (p.Leu795Ile)

Gene: KMT5B (lysine methyltransferase 5B; minus strand). Cytogenetic location: 11q13.2.
Variant type: single nucleotide variant.
Coding change: c.2383C>A on transcript NM_017635.5 (MANE Select); coding-DNA position 2383, C replaced by A.
Protein change: p.Leu795Ile; replaces leucine 795 with isoleucine.
Molecular consequence: missense variant.
Genome position (GRCh38, 1-based): chr11:68,157,963, G>T on the plus strand (C>A on the coding strand, the complement: KMT5B is on the minus strand). VCF-style: chr11-68157963-G-T. GRCh37 (hg19) VCF-style: chr11-67925430-G-T.
Other names: c.1867C>A, p.Leu623Ile (NM_001300907.1, NM_001369428.1, NM_001369429.1 and 4 more transcripts); c.1663C>A, p.Leu555Ile (NM_001300908.2); c.2383C>A, p.Leu795Ile (NM_001369426.1); short protein forms L555I, L623I, L795I.
Identifiers: ClinVar variation 2633735 (VCV002633735.1), dbSNP rs769300408, ClinGen allele CA6148017.

ClinVar aggregate classification (germline): Uncertain significance (1 of 4 stars; one submission).

Conditions:
KMT5B-related disorder. Also called: KMT5B-related condition.

Allele frequency attached by ClinVar (database versions not stated): TOPMed below 0.00001; ExAC 0.00001.

Submission:

PreventionGenetics, part of Exact Sciences
Classification: Uncertain significance for KMT5B-related condition. Last evaluated: 2023-03-24. Review status: criteria provided, single submitter. Criteria: ACMG Guidelines, 2015. Collection method: clinical testing. Allele origin: germline.
Comment: The KMT5B c.2383C>A variant is predicted to result in the amino acid substitution p.Leu795Ile. To our knowledge, this variant has not been reported in the literature. This variant is reported in 0.00089% of alleles in individuals of European (Non-Finnish) descent in gnomAD. At this time, the clinical significance of this variant is uncertain due to the absence of conclusive functional and genetic evidence.